The following is an entry in ClinVar:

NM_000051.4(ATM):c.2125del (p.Ile709fs)

Gene: ATM (ATM serine/threonine kinase; plus strand). Cytogenetic location: 11q22.3.
Variant type: Deletion.
Coding change: c.2125del on transcript NM_000051.4 (MANE Select); coding-DNA position 2125, one base deleted (A; older notation c.2125delA).
Protein change: p.Ile709fs; shifts the reading frame from isoleucine 709.
Molecular consequence: frameshift variant.
Genome position (GRCh38, 1-based): chr11:108,256,215, A deleted. VCF-style (leftmost placement, unchanged base first): chr11-108256214-GA-G. GRCh37 (hg19) VCF-style: chr11-108126941-GA-G.
Other names: c.2125delA (NM_000051.3); c.2125del, p.Ile709fs (NM_001351834.2); short protein forms I709fs.
Identifiers: ClinVar variation 371408 (VCV000371408.10), dbSNP rs1057517248, ClinGen allele CA16041388.

ClinVar aggregate classification (germline): Pathogenic. Review status: criteria provided, single submitter (1 of 4 stars). 2 submissions from 2 submitters: Pathogenic (1). 1 of the submissions does not count toward it. Last evaluated 2019-06-06.

Conditions:
Ataxia-telangiectasia syndrome (AT). Also called: ATAXIA-TELANGIECTASIA, COMPLEMENTATION GROUP A; ATAXIA-TELANGIECTASIA, FRESNO VARIANT; Ataxia-telangiectasia; Ataxia telangiectasia (A-T); Cerebello-oculocutaneous telangiectasia; Immunodeficiency with ataxia telangiectasia. Identifiers: Orphanet 100, MedGen C0004135, MONDO:0008840, OMIM 208900.

Allele frequency attached by ClinVar (database versions not stated): gnomAD exomes below 0.00001.

Submissions (2):

Labcorp Genetics (formerly Invitae), Labcorp
Classification: Pathogenic for Ataxia-telangiectasia syndrome. Last evaluated: 2019-06-06. Review status: criteria provided, single submitter. Criteria: Invitae Variant Classification Sherloc (09022015). Collection method: clinical testing. Allele origin: germline.
Comment: This sequence change creates a premature translational stop signal (p.Ile709Leufs*26) in the ATM gene. It is expected to result in an absent or disrupted protein product. This variant is not present in population databases (ExAC no frequency). This variant has not been reported in the literature in individuals with ATM-related conditions. ClinVar contains an entry for this variant (Variation ID: 371408). Algorithms developed to predict the effect of sequence changes on RNA splicing suggest that this variant may disrupt the consensus splice site, but this prediction has not been confirmed by published transcriptional studies. Loss-of-function variants in ATM are known to be pathogenic (PMID: 23807571, 25614872). For these reasons, this variant has been classified as Pathogenic.

Counsyl
Classification: Likely pathogenic for Ataxia-telangiectasia syndrome. Last evaluated: 2016-09-15. Review status: no assertion criteria provided. Collection method: clinical testing. Allele origin: unknown. Not counted in ClinVar's aggregate classification.

Literature cited by the submitters: PubMed 23807571 (cited by Labcorp Genetics (formerly Invitae), Labcorp); PubMed 25614872 (cited by Labcorp Genetics (formerly Invitae), Labcorp).